The following is an entry in ClinVar:

NM_001199138.2(NLRC4):c.1160T>C (p.Ile387Thr)

Gene: NLRC4 (NLR family CARD domain containing 4; minus strand). Cytogenetic location: 2p22.3.
Variant type: single nucleotide variant.
Coding change: c.1160T>C on transcript NM_001199138.2 (MANE Select); coding-DNA position 1160, T replaced by C.
Protein change: p.Ile387Thr; replaces isoleucine 387 with threonine.
Molecular consequence: missense variant. On other transcripts: intron variant (1).
Genome position (GRCh38, 1-based): chr2:32,250,704, A>G on the plus strand (T>C on the coding strand, the complement: NLRC4 is on the minus strand). VCF-style: chr2-32250704-A-G. GRCh37 (hg19) VCF-style: chr2-32475773-A-G.
Other names: c.1160T>C, p.Ile387Thr (NM_001199139.2, NM_021209.5); c.262+1715T>C (NM_001302504.1); short protein forms I387T.
Identifiers: ClinVar variation 571019 (VCV000571019.8), dbSNP rs756625023, ClinGen allele CA1602029.

ClinVar aggregate classification (germline): Uncertain significance (1 of 4 stars; one submission).

Conditions:
Periodic fever-infantile enterocolitis-autoinflammatory syndrome. Also called: Autoinflammation with infantile enterocolitis. Identifiers: Orphanet 436166, MedGen C4015067, MONDO:0014472, OMIM 616050.
Familial cold autoinflammatory syndrome 4 (FCAS4). Identifiers: Orphanet 47045, Orphanet 576349, MedGen C4015276, MONDO:0014498, OMIM 616115.

Allele frequency attached by ClinVar (database versions not stated): gnomAD exomes below 0.00001; TOPMed 0.00002; ExAC 0.00001; gnomAD 0.00001.
gnomAD v4.1: 12 of 1,614,098 alleles (0.00074%); highest among the groups gnomAD compares: Admixed American, 0.0033%; no homozygotes.

Submission:

Labcorp Genetics (formerly Invitae), Labcorp
Classification: Uncertain significance for Periodic fever-infantile enterocolitis-autoinflammatory syndrome; Familial cold autoinflammatory syndrome 4. Last evaluated: 2025-09-02. Review status: criteria provided, single submitter. Criteria: Invitae Variant Classification Sherloc (09022015). Collection method: clinical testing. Allele origin: germline.
Comment: This sequence change replaces isoleucine, which is neutral and non-polar, with threonine, which is neutral and polar, at codon 387 of the NLRC4 protein (p.Ile387Thr). This variant is present in population databases (rs756625023, gnomAD 0.0009%). This variant has not been reported in the literature in individuals affected with NLRC4-related conditions. ClinVar contains an entry for this variant (Variation ID: 571019). Invitae Evidence Modeling of protein sequence and biophysical properties (such as structural, functional, and spatial information, amino acid conservation, physicochemical variation, residue mobility, and thermodynamic stability) indicates that this missense variant is not expected to disrupt NLRC4 protein function with a negative predictive value of 80%. In summary, the available evidence is currently insufficient to determine the role of this variant in disease. Therefore, it has been classified as a Variant of Uncertain Significance.